The following is an entry in ClinVar:

ClinVar aggregate classification (germline): Conflicting classifications of pathogenicity. Review status: criteria provided, conflicting classifications (1 of 4 stars). 4 submissions from 4 submitters: Uncertain significance (1); Likely benign (3). Last evaluated 2026-06-01.

Allele frequency attached by ClinVar (database versions not stated): 1000 Genomes Project 30x 0.00016; 1000 Genomes Project 0.00020; gnomAD 0.00022 and 0.00023; gnomAD exomes 0.00023 and 0.00054; ExAC 0.00026; TOPMed 0.00028; ESP Exome Variant Server 0.00046.
gnomAD v4.1: 821 of 1,613,866 alleles (0.051%); highest among the groups gnomAD compares: Non-Finnish European, 0.066%; 1 homozygote.

Submissions (4):

CeGaT Center for Human Genetics Tuebingen
Classification: Likely benign. Last evaluated: 2026-06-01. Review status: criteria provided, single submitter. Criteria: CeGaT Center For Human Genetics Tuebingen Variant Classification Criteria Version 2. Collection method: clinical testing. Allele origin: germline. Affected: yes. Observed: 3 variant alleles.
Comment: ADCY5: BP4

Labcorp Genetics (formerly Invitae), Labcorp
Classification: Likely benign. Last evaluated: 2024-08-22. Review status: criteria provided, single submitter. Criteria: Invitae Variant Classification Sherloc (09022015). Collection method: clinical testing. Allele origin: germline.

Blueprint Genetics
Classification: Likely benign. Last evaluated: 2024-06-14. Review status: criteria provided, single submitter. Criteria: ACMG Guidelines, 2015. Collection method: clinical testing. Allele origin: germline.

GeneDx
Classification: Uncertain significance. Last evaluated: 2024-02-28. Review status: criteria provided, single submitter. Criteria: GeneDx Variant Classification Process June 2021. Collection method: clinical testing. Allele origin: germline. Affected: yes.
Comment: In silico analysis supports that this missense variant does not alter protein structure/function; Has not been previously published as pathogenic or benign to our knowledge

NM_183357.3(ADCY5):c.2645C>T (p.Ala882Val)

Gene: ADCY5 (adenylate cyclase 5; minus strand). Cytogenetic location: 3q21.1.
Variant type: single nucleotide variant.
Coding change: c.2645C>T on transcript NM_183357.3 (MANE Select); coding-DNA position 2645, C replaced by T.
Protein change: p.Ala882Val; replaces alanine 882 with valine.
Molecular consequence: missense variant.
Genome position (GRCh38, 1-based): chr3:123,303,134, G>A on the plus strand (C>T on the coding strand, the complement: ADCY5 is on the minus strand). VCF-style: chr3-123303134-G-A. GRCh37 (hg19) VCF-style: chr3-123021981-G-A.
Other names: c.1595C>T, p.Ala532Val (NM_001199642.1); c.2645C>T, p.Ala882Val (NM_001378259.1); short protein forms A882V, A532V.
Identifiers: ClinVar variation 809528 (VCV000809528.51), dbSNP rs112913957, ClinGen allele CA2577038.